The following is an entry in ClinVar:

NM_005045.4(RELN):c.915T>A (p.Asn305Lys)

Gene: RELN (reelin; minus strand). Cytogenetic location: 7q22.1.
Variant type: single nucleotide variant.
Coding change: c.915T>A on transcript NM_005045.4 (MANE Select); coding-DNA position 915, T replaced by A.
Protein change: p.Asn305Lys; replaces asparagine 305 with lysine.
Molecular consequence: missense variant.
Genome position (GRCh38, 1-based): chr7:103,698,081, A>T on the plus strand (T>A on the coding strand, the complement: RELN is on the minus strand). VCF-style: chr7-103698081-A-T. GRCh37 (hg19) VCF-style: chr7-103338528-A-T.
Other names: c.915T>A, p.Asn305Lys (NM_173054.3); short protein forms N305K.
Identifiers: ClinVar variation 2001721 (VCV002001721.4), dbSNP rs752531852, ClinGen allele CA4422400.

ClinVar aggregate classification (germline): Uncertain significance (1 of 4 stars; one submission).

Conditions:
Norman-Roberts syndrome (LIS2). Also called: Lissencephaly 2 (Norman-Roberts type). Identifiers: Orphanet 89844, MedGen C0796089, MONDO:0009760, OMIM 257320.
Familial temporal lobe epilepsy 7. Identifiers: Orphanet 101046, MedGen C4225327, MONDO:0014639, OMIM 616436.

Allele frequency attached by ClinVar (database versions not stated): ExAC 0.00001; gnomAD exomes 0.00001.
gnomAD v4.1: 10 of 1,613,708 alleles (0.00062%); highest among the groups gnomAD compares: South Asian, 0.011%; no homozygotes.

Submission:

Labcorp Genetics (formerly Invitae), Labcorp
Classification: Uncertain significance for Familial temporal lobe epilepsy 7; Norman-Roberts syndrome. Last evaluated: 2022-06-01. Review status: criteria provided, single submitter. Criteria: Invitae Variant Classification Sherloc (09022015). Collection method: clinical testing. Allele origin: germline.
Comment: In summary, the available evidence is currently insufficient to determine the role of this variant in disease. Therefore, it has been classified as a Variant of Uncertain Significance. Algorithms developed to predict the effect of missense changes on protein structure and function are either unavailable or do not agree on the potential impact of this missense change (SIFT: "Deleterious"; PolyPhen-2: "Possibly Damaging"; Align-GVGD: "Class C0"). This variant has not been reported in the literature in individuals affected with RELN-related conditions. This variant is present in population databases (rs752531852, gnomAD 0.006%). This sequence change replaces asparagine, which is neutral and polar, with lysine, which is basic and polar, at codon 305 of the RELN protein (p.Asn305Lys).